The following is an entry in ClinVar:

NM_001364905.1(LRBA):c.7940T>C (p.Leu2647Pro)

Gene: LRBA (LPS responsive beige-like anchor protein; minus strand). Cytogenetic location: 4q31.3.
Variant type: single nucleotide variant.
Coding change: c.7940T>C on transcript NM_001364905.1 (MANE Select); coding-DNA position 7940, T replaced by C.
Protein change: p.Leu2647Pro; replaces leucine 2647 with proline.
Molecular consequence: missense variant.
Genome position (GRCh38, 1-based): chr4:150,302,702, A>G on the plus strand (T>C on the coding strand, the complement: LRBA is on the minus strand). VCF-style: chr4-150302702-A-G. GRCh37 (hg19) VCF-style: chr4-151223854-A-G.
Other names: c.7940T>C, p.Leu2647Pro (NM_001199282.3); c.7955T>C, p.Leu2652Pro (NM_001367550.1); c.7973T>C, p.Leu2658Pro (NM_006726.5); short protein forms L2652P, L2658P, L2647P.
Identifiers: ClinVar variation 1511222 (VCV001511222.8), dbSNP rs2126848165, ClinGen allele CA358598994.

ClinVar aggregate classification (germline): Uncertain significance (1 of 4 stars; one submission).

Conditions:
Combined immunodeficiency due to LRBA deficiency. Also called: Common variable immunodeficiency 8, with autoimmunity. Identifiers: Orphanet 445018, MedGen C3553512, MONDO:0013863, OMIM 614700.

Submission:

Labcorp Genetics (formerly Invitae), Labcorp
Classification: Uncertain significance for Combined immunodeficiency due to LRBA deficiency. Last evaluated: 2021-02-17. Review status: criteria provided, single submitter. Criteria: Invitae Variant Classification Sherloc (09022015). Collection method: clinical testing. Allele origin: germline.
Comment: In summary, the available evidence is currently insufficient to determine the role of this variant in disease. Therefore, it has been classified as a Variant of Uncertain Significance. Algorithms developed to predict the effect of missense changes on protein structure and function are either unavailable or do not agree on the potential impact of this missense change (SIFT: "Deleterious"; PolyPhen-2: "Probably Damaging"; Align-GVGD: "Class C0"). This variant has not been reported in the literature in individuals with LRBA-related conditions. This variant is not present in population databases (ExAC no frequency). This sequence change replaces leucine with proline at codon 2658 of the LRBA protein (p.Leu2658Pro). The leucine residue is moderately conserved and there is a moderate physicochemical difference between leucine and proline.